The following is an entry in ClinVar:

NM_001044385.3(TMEM237):c.75-13T>C

Gene: TMEM237 (transmembrane protein 237; minus strand). Cytogenetic location: 2q33.1.
Variant type: single nucleotide variant.
Coding change: c.75-13T>C on transcript NM_001044385.3 (MANE Select); 13 bases into the intron before coding-DNA position 75, T replaced by C.
Molecular consequence: intron variant.
Genome position (GRCh38, 1-based): chr2:201,640,278, A>G on the plus strand (T>C on the coding strand, the complement: TMEM237 is on the minus strand). VCF-style: chr2-201640278-A-G. GRCh37 (hg19) VCF-style: chr2-202505001-A-G.
Other names: c.51-13T>C (NM_152388.4).
Identifiers: ClinVar variation 196307 (VCV000196307.19), dbSNP rs116829037, ClinGen allele CA202276.

ClinVar aggregate classification (germline): Benign. Review status: criteria provided, multiple submitters, no conflicts (2 of 4 stars). 5 submissions from 5 submitters: Benign (5). Last evaluated 2026-01-28.

Conditions:
Joubert syndrome 14 (JBTS14). Identifiers: MedGen C3280766, MONDO:0013745, OMIM 614424.

Allele frequency attached by ClinVar (database versions not stated): gnomAD exomes 0.00058 and 0.00177; ExAC 0.00249; gnomAD 0.00708 and 0.00764; TOPMed 0.00801; ESP Exome Variant Server 0.00809; 1000 Genomes Project 0.00839; 1000 Genomes Project 30x 0.00921.
gnomAD v4.1: 1,928 of 1,552,422 alleles (0.12%); highest among the groups gnomAD compares: African/African-American, 2.4%; 25 homozygotes.

Submissions (5):

Labcorp Genetics (formerly Invitae), Labcorp
Classification: Benign for Joubert syndrome 14. Last evaluated: 2026-01-28. Review status: criteria provided, single submitter. Criteria: Invitae Variant Classification Sherloc (09022015). Collection method: clinical testing. Allele origin: germline.

Illumina Laboratory Services, Illumina
Classification: Benign for Joubert syndrome 14. Last evaluated: 2018-01-13. Review status: criteria provided, single submitter. Criteria: ICSL Variant Classification Criteria 13 December 2019. Collection method: clinical testing. Allele origin: germline.
Comment: This variant was observed in the ICSL laboratory as part of a predisposition screen in an ostensibly healthy population. It had not been previously curated by ICSL or reported in the Human Gene Mutation Database (HGMD: prior to June 1st, 2018), and was therefore a candidate for classification through an automated scoring system. Utilizing variant allele frequency, disease prevalence and penetrance estimates, and inheritance mode, an automated score was calculated to assess if this variant is too frequent to cause the disease. Based on the score and internal cut-off values, a variant classified as benign is not then subjected to further curation. The score for this variant resulted in a classification of benign for this disease.

GeneDx
Classification: Benign. Last evaluated: 2015-03-03. Review status: criteria provided, single submitter. Criteria: GeneDx Variant Classification Process June 2021. Collection method: clinical testing. Allele origin: germline. Affected: yes.

Eurofins Ntd Llc (ga)
Classification: Benign. Last evaluated: 2015-01-14. Review status: criteria provided, single submitter. Criteria: EGL Classification Definitions 2015. Collection method: clinical testing. Allele origin: germline. Observed: 2 variant alleles, 2 heterozygotes.

PreventionGenetics, part of Exact Sciences
Classification: Benign. Review status: criteria provided, single submitter. Criteria: ACMG Guidelines, 2015. Collection method: clinical testing. Allele origin: germline.